The following is an entry in ClinVar:

NM_001369.3(DNAH5):c.13427G>A (p.Arg4476Gln)

Gene: DNAH5 (dynein axonemal heavy chain 5; minus strand). Cytogenetic location: 5p15.2.
Variant type: single nucleotide variant.
Coding change: c.13427G>A on transcript NM_001369.3 (MANE Select); coding-DNA position 13427, G replaced by A.
Protein change: p.Arg4476Gln; replaces arginine 4476 with glutamine.
Molecular consequence: missense variant.
Genome position (GRCh38, 1-based): chr5:13,701,348, C>T on the plus strand (G>A on the coding strand, the complement: DNAH5 is on the minus strand). VCF-style: chr5-13701348-C-T. GRCh37 (hg19) VCF-style: chr5-13701457-C-T.
Other names: short protein forms R4476Q.
Identifiers: ClinVar variation 3673058 (VCV003673058.2).

ClinVar aggregate classification (germline): Uncertain significance (1 of 4 stars; one submission).

Conditions:
Primary ciliary dyskinesia. Also called: Ciliary dyskinesia. Identifiers: Orphanet 244, MedGen C0008780, MONDO:0016575, HP:0012265.

Submission:

Labcorp Genetics (formerly Invitae), Labcorp
Classification: Uncertain significance for Primary ciliary dyskinesia. Last evaluated: 2024-11-21. Review status: criteria provided, single submitter. Criteria: Invitae Variant Classification Sherloc (09022015). Collection method: clinical testing. Allele origin: germline.
Comment: This sequence change replaces arginine, which is basic and polar, with glutamine, which is neutral and polar, at codon 4476 of the DNAH5 protein (p.Arg4476Gln). This variant is present in population databases (rs759967441, gnomAD 0.003%). This variant has not been reported in the literature in individuals affected with DNAH5-related conditions. Invitae Evidence Modeling of protein sequence and biophysical properties (such as structural, functional, and spatial information, amino acid conservation, physicochemical variation, residue mobility, and thermodynamic stability) indicates that this missense variant is not expected to disrupt DNAH5 protein function with a negative predictive value of 95%. In summary, the available evidence is currently insufficient to determine the role of this variant in disease. Therefore, it has been classified as a Variant of Uncertain Significance.